The following is an entry in ClinVar:

NM_001122630.2(CDKN1C):c.410del (p.Pro137fs)

Gene: CDKN1C (cyclin dependent kinase inhibitor 1C; minus strand). Cytogenetic location: 11p15.4.
Variant type: Deletion.
Coding change: c.410del on transcript NM_001122630.2 (MANE Select); coding-DNA position 410, one base deleted (C; older notation c.410delC).
Protein change: p.Pro137fs; shifts the reading frame from proline 137.
Molecular consequence: frameshift variant. On other transcripts: intron variant (1).
Genome position (GRCh38, 1-based): chr11:2,885,047, G deleted on the plus strand (C on the coding strand, the reverse complement: CDKN1C is on the minus strand); the first of 4 consecutive G bases (chr11:2,885,047-2,885,050); deleting any one gives the same sequence. VCF-style (leftmost placement, unchanged base first): chr11-2885046-CG-C. GRCh37 (hg19) VCF-style: chr11-2906276-CG-C.
Other names: c.443del, p.Pro148fs (NM_000076.2, NM_001362474.2); c.410del, p.Pro137fs (NM_001122631.2); c.255+155del (NM_001362475.2); short protein forms P137fs, P148fs.
Identifiers: ClinVar variation 1417762 (VCV001417762.7), dbSNP rs2133784748, ClinGen allele CA2573145989.

ClinVar aggregate classification (germline): Pathogenic. Review status: criteria provided, multiple submitters, no conflicts (2 of 4 stars). 2 submissions from 2 submitters: Pathogenic (2). Last evaluated 2024-10-21.

Conditions:
Beckwith-Wiedemann syndrome (BWS). Also called: EMG SYNDROME; Exomphalos macroglossia gigantism syndrome. Identifiers: Orphanet 116, MedGen C0004903, MONDO:0007534, OMIM 130650.
IMAGe syndrome. Also called: Intrauterine growth retardation, metaphyseal dysplasia, adrenal hypoplasia congenita, and genital anomalies; Intrauterine Growth Restriction, Metaphyseal Dysplasia, Adrenal Hypoplasia Congenita, and Genital Anomalies. Identifiers: Orphanet 85173, MedGen C1846009, MONDO:0013873, OMIM 614732.

Submissions (2):

Pediatrics, Sichuan Provincial Hospital For Women And Children
Classification: Pathogenic for IMAGe syndrome. Last evaluated: 2024-10-21. Review status: criteria provided, single submitter. Criteria: ACMG Guidelines, 2015. Collection method: provider interpretation. Allele origin: maternal. Inheritance: Autosomal dominant inheritance. Affected: yes.
Comment: This variant has been classified as Pathogenic. This variant has not been reported in the literature in individuals affected with CDKN1C-related conditions. The frequency data for this variant in the population databases is considered unreliable, as metrics indicate insufficient coverage at this position in the gnomAD database. This sequence change creates a premature translational stop signal (p. Pro148Argfs*124*) in the CDKN1C gene. It is expected to result in an absent or disrupted protein product. Loss-of-function variants in CDKN1C are known to be pathogenic

Labcorp Genetics (formerly Invitae), Labcorp
Classification: Pathogenic for Beckwith-Wiedemann syndrome. Last evaluated: 2022-05-21. Review status: criteria provided, single submitter. Criteria: Invitae Variant Classification Sherloc (09022015). Collection method: clinical testing. Allele origin: germline.
Comment: For these reasons, this variant has been classified as Pathogenic. This variant has not been reported in the literature in individuals affected with CDKN1C-related conditions. This variant is not present in population databases (gnomAD no frequency). This sequence change creates a premature translational stop signal (p.Pro148Argfs*124) in the CDKN1C gene. It is expected to result in an absent or disrupted protein product. Loss-of-function variants in CDKN1C are known to be pathogenic (PMID: 20503313).

Literature cited by the submitters: PubMed 20503313 (cited by Labcorp Genetics (formerly Invitae), Labcorp).